The following is an entry in ClinVar:

ClinVar aggregate classification (germline): Conflicting classifications of pathogenicity. Review status: criteria provided, conflicting classifications (1 of 4 stars). 2 submissions from 2 submitters: Uncertain significance (1); Likely benign (1). Last evaluated 2025-06-02.

Conditions:
Cardiovascular phenotype. Identifiers: MedGen CN230736.
Dilated cardiomyopathy 1JJ (CMD1JJ). Identifiers: Orphanet 154, MedGen C3808935, MONDO:0014095, OMIM 615235.

Allele frequency attached by ClinVar (database versions not stated): gnomAD exomes below 0.00001; ExAC 0.00001; gnomAD 0.00001; TOPMed 0.00002.
gnomAD v4.1: 2 of 1,612,294 alleles (0.00012%); highest among the groups gnomAD compares: African/African-American, 0.0027%; no homozygotes.

Submissions (2):

Labcorp Genetics (formerly Invitae), Labcorp
Classification: Uncertain significance for Dilated cardiomyopathy 1JJ. Last evaluated: 2025-06-02. Review status: criteria provided, single submitter. Criteria: Invitae Variant Classification Sherloc (09022015). Collection method: clinical testing. Allele origin: germline.
Comment: This sequence change replaces leucine, which is neutral and non-polar, with valine, which is neutral and non-polar, at codon 575 of the LAMA4 protein (p.Leu575Val). This variant is present in population databases (rs782299829, gnomAD 0.008%). This variant has not been reported in the literature in individuals affected with LAMA4-related conditions. ClinVar contains an entry for this variant (Variation ID: 1059841). Invitae Evidence Modeling of protein sequence and biophysical properties (such as structural, functional, and spatial information, amino acid conservation, physicochemical variation, residue mobility, and thermodynamic stability) indicates that this missense variant is not expected to disrupt LAMA4 protein function with a negative predictive value of 80%. In summary, the available evidence is currently insufficient to determine the role of this variant in disease. Therefore, it has been classified as a Variant of Uncertain Significance.

Ambry Genetics
Classification: Likely benign for Cardiovascular phenotype. Last evaluated: 2024-08-28. Review status: criteria provided, single submitter. Criteria: Ambry Variant Classification Scheme 2023. Collection method: clinical testing. Allele origin: germline.

NM_001105206.3(LAMA4):c.1744C>G (p.Leu582Val)

Gene: LAMA4 (laminin subunit alpha 4; minus strand). Cytogenetic location: 6q21.
Variant type: single nucleotide variant.
Coding change: c.1744C>G on transcript NM_001105206.3 (MANE Select); coding-DNA position 1744, C replaced by G.
Protein change: p.Leu582Val; replaces leucine 582 with valine.
Molecular consequence: missense variant.
Genome position (GRCh38, 1-based): chr6:112,158,805, G>C on the plus strand (C>G on the coding strand, the complement: LAMA4 is on the minus strand). VCF-style: chr6-112158805-G-C. GRCh37 (hg19) VCF-style: chr6-112480007-G-C.
Other names: c.1723C>G, p.Leu575Val (NM_001105207.3, NM_002290.5); c.1723C>G (NM_002290.3); short protein forms L575V, L582V.
Identifiers: ClinVar variation 1059841 (VCV001059841.10), dbSNP rs782299829, ClinGen allele CA3965690.